The following is an entry in ClinVar:

ClinVar aggregate classification (germline): Uncertain significance (1 of 4 stars; one submission).

Submission:

Labcorp Genetics (formerly Invitae), Labcorp
Classification: Uncertain significance. Last evaluated: 2022-02-17. Review status: criteria provided, single submitter. Criteria: Invitae Variant Classification Sherloc (09022015). Collection method: clinical testing. Allele origin: germline.
Comment: In summary, the available evidence is currently insufficient to determine the role of this variant in disease. Therefore, it has been classified as a Variant of Uncertain Significance. Algorithms developed to predict the effect of missense changes on protein structure and function output the following: SIFT: "Tolerated"; PolyPhen-2: "Not Available"; Align-GVGD: "Class C0". The aspartic acid amino acid residue is found in multiple mammalian species, which suggests that this missense change does not adversely affect protein function. This variant has not been reported in the literature in individuals affected with RIN2-related conditions. This variant is not present in population databases (gnomAD no frequency). This sequence change replaces alanine, which is neutral and non-polar, with aspartic acid, which is acidic and polar, at codon 347 of the RIN2 protein (p.Ala347Asp).

NM_018993.4(RIN2):c.1040C>A (p.Ala347Asp)

Gene: RIN2 (Ras and Rab interactor 2; plus strand). Cytogenetic location: 20p11.23.
Variant type: single nucleotide variant.
Coding change: c.1040C>A on transcript NM_018993.4 (MANE Select); coding-DNA position 1040, C replaced by A.
Protein change: p.Ala347Asp; replaces alanine 347 with aspartic acid.
Molecular consequence: missense variant.
Genome position (GRCh38, 1-based): chr20:19,975,065, C>A. VCF-style: chr20-19975065-C-A. GRCh37 (hg19) VCF-style: chr20-19955709-C-A.
Other names: c.1187C>A, p.Ala396Asp (NM_001242581.2); c.422C>A, p.Ala141Asp (NM_001378238.1); short protein forms A141D, A347D, A396D.
Identifiers: ClinVar variation 2098142 (VCV002098142.4), dbSNP rs2515510206, ClinGen allele CA408361605.